The following is an entry in ClinVar:

NM_007208.4(MRPL3):c.888A>G (p.Leu296=)

Gene: MRPL3 (mitochondrial ribosomal protein L3; minus strand). Cytogenetic location: 3q22.1.
Variant type: single nucleotide variant.
Coding change: c.888A>G on transcript NM_007208.4 (MANE Select); coding-DNA position 888, A replaced by G.
Protein change: p.Leu296=; no amino-acid change (leucine 296 retained).
Molecular consequence: synonymous variant.
Genome position (GRCh38, 1-based): chr3:131,468,097, T>C on the plus strand (A>G on the coding strand, the complement: MRPL3 is on the minus strand). VCF-style: chr3-131468097-T-C. GRCh37 (hg19) VCF-style: chr3-131186941-T-C.
Identifiers: ClinVar variation 4984396 (VCV004984396.1).

ClinVar aggregate classification (germline): Likely benign (1 of 4 stars; one submission).

Conditions:
MRPL3-related disorder. Also called: MRPL3-related condition.

gnomAD v4.1: 15 of 1,550,486 alleles (0.00097%); highest among the groups gnomAD compares: South Asian, 0.013%; no homozygotes.

Submission:

PreventionGenetics, part of Exact Sciences
Classification: Likely benign for MRPL3-related condition. Last evaluated: 2024-12-03. Review status: criteria provided, single submitter. Criteria: ACMG Guidelines, 2015. Collection method: clinical testing. Allele origin: germline.
Comment: This variant is classified as likely benign based on ACMG/AMP sequence variant interpretation guidelines (Richards et al. 2015 PMID: 25741868, with internal and published modifications).